The following is an entry in ClinVar:

NM_024876.4(COQ8B):c.1309G>A (p.Ala437Thr)

Gene: COQ8B (coenzyme Q8B; minus strand). Cytogenetic location: 19q13.2.
Variant type: single nucleotide variant.
Coding change: c.1309G>A on transcript NM_024876.4 (MANE Select); coding-DNA position 1309, G replaced by A.
Protein change: p.Ala437Thr; replaces alanine 437 with threonine.
Molecular consequence: missense variant.
Genome position (GRCh38, 1-based): chr19:40,692,361, C>T on the plus strand (G>A on the coding strand, the complement: COQ8B is on the minus strand). VCF-style: chr19-40692361-C-T. GRCh37 (hg19) VCF-style: chr19-41198266-C-T.
Other names: c.1186G>A, p.Ala396Thr (NM_001142555.3); c.1309G>A (NM_024876.3); short protein forms A437T, A396T.
Identifiers: ClinVar variation 3630724 (VCV003630724.2).

ClinVar aggregate classification (germline): Uncertain significance. Review status: criteria provided, multiple submitters, no conflicts (2 of 4 stars). 2 submissions from 2 submitters: Uncertain significance (2). Last evaluated 2025-03-12.

Conditions:
Inborn genetic diseases. Identifiers: MedGen C0950123, MeSH D030342.

gnomAD v4.1: 59 of 1,613,164 alleles (0.0037%); highest among the groups gnomAD compares: Middle Eastern, 0.017%; no homozygotes.

Submissions (2):

Ambry Genetics
Classification: Uncertain significance for Inborn genetic diseases. Last evaluated: 2025-03-12. Review status: criteria provided, single submitter. Criteria: Ambry Variant Classification Scheme 2023. Collection method: clinical testing. Allele origin: germline.

Labcorp Genetics (formerly Invitae), Labcorp
Classification: Uncertain significance. Last evaluated: 2024-06-26. Review status: criteria provided, single submitter. Criteria: Invitae Variant Classification Sherloc (09022015). Collection method: clinical testing. Allele origin: germline.
Comment: This sequence change replaces alanine, which is neutral and non-polar, with threonine, which is neutral and polar, at codon 437 of the COQ8B protein (p.Ala437Thr). This variant is present in population databases (rs112896502, gnomAD 0.005%). This variant has not been reported in the literature in individuals affected with COQ8B-related conditions. Advanced modeling of protein sequence and biophysical properties (such as structural, functional, and spatial information, amino acid conservation, physicochemical variation, residue mobility, and thermodynamic stability) performed at Invitae indicates that this missense variant is not expected to disrupt COQ8B protein function with a negative predictive value of 80%. In summary, the available evidence is currently insufficient to determine the role of this variant in disease. Therefore, it has been classified as a Variant of Uncertain Significance.